The following is an entry in ClinVar:

NM_002591.4(PCK1):c.513G>C (p.Arg171=)

Gene: PCK1 (phosphoenolpyruvate carboxykinase 1; plus strand). Cytogenetic location: 20q13.31.
Variant type: single nucleotide variant.
Coding change: c.513G>C on transcript NM_002591.4 (MANE Select); coding-DNA position 513, G replaced by C.
Protein change: p.Arg171=; no amino-acid change (arginine 171 retained).
Molecular consequence: synonymous variant.
Genome position (GRCh38, 1-based): chr20:57,562,802, G>C. VCF-style: chr20-57562802-G-C. GRCh37 (hg19) VCF-style: chr20-56137858-G-C.
Identifiers: ClinVar variation 2652429 (VCV002652429.25), dbSNP rs147708648, ClinGen allele CA9922043.
Genomic context (GRCh38, chr20:57,562,802, plus strand): 5'-GCCTCTGTCAAAGATCGGCATCGAGCTGACGGATTCACCCTACGTGGTGGCCAGCATGCG[G>C]ATCATGACGCGGATGGGCACGCCCGTCCTGGAAGCAGTGGGCGATGGGGAGTTTGTCAAA-3'
Protein context (NP_002582.3, residues 161-181): TDSPYVVASM[Arg171=]IMTRMGTPVL

ClinVar aggregate classification (germline): Likely benign. Review status: criteria provided, multiple submitters, no conflicts (2 of 4 stars). 2 submissions from 2 submitters: Likely benign (2). Last evaluated 2024-08-14.

Allele frequency attached by ClinVar (database versions not stated): gnomAD exomes below 0.00001; ExAC 0.00002; ESP Exome Variant Server 0.00015; gnomAD 0.00017.

Submissions (2):

Blueprint Genetics
Classification: Likely benign. Last evaluated: 2024-08-14. Review status: criteria provided, single submitter. Criteria: ACMG Guidelines, 2015. Collection method: clinical testing. Allele origin: germline.

CeGaT Center for Human Genetics Tuebingen
Classification: Likely benign. Last evaluated: 2023-11-01. Review status: criteria provided, single submitter. Criteria: CeGaT Center For Human Genetics Tuebingen Variant Classification Criteria Version 2. Collection method: clinical testing. Allele origin: germline. Affected: yes. Observed: 1 variant allele.
Comment: PCK1: BP4, BP7